The following is an entry in ClinVar:

NM_001270508.2(TNFAIP3):c.1517C>A (p.Ala506Asp)

Gene: TNFAIP3 (TNF alpha induced protein 3; plus strand). Cytogenetic location: 6q23.3.
Variant type: single nucleotide variant.
Coding change: c.1517C>A on transcript NM_001270508.2 (MANE Select); coding-DNA position 1517, C replaced by A.
Protein change: p.Ala506Asp; replaces alanine 506 with aspartic acid.
Molecular consequence: missense variant.
Genome position (GRCh38, 1-based): chr6:137,878,962, C>A. VCF-style: chr6-137878962-C-A. GRCh37 (hg19) VCF-style: chr6-138200099-C-A.
Other names: c.1517C>A, p.Ala506Asp (NM_001270507.2, NM_006290.4); short protein forms A506D.
Identifiers: ClinVar variation 4852117 (VCV004852117.1).
Genomic context (GRCh38, chr6:137,878,962, plus strand): 5'-CACTGAATGTGCAGCACAACGGATTTTGTGAACGTTGCCACAACGCCCGGCAACTTCACG[C>A]CAGCCACGCCCCAGACCACACAAGGCACTTGGATCCCGGGAAGTGCCAAGCCTGCCTCCA-3'
Protein context (NP_001257437.1, residues 496-516): ERCHNARQLH[Ala506Asp]SHAPDHTRHL

ClinVar aggregate classification (germline): VUS-mid (1 of 4 stars; one submission).

Conditions:
Autoinflammatory syndrome, familial, Behcet-like 1 (AIFBL1). Also called: Haploinsufficiency of A20. Identifiers: Orphanet 674762, MedGen C4225218, MONDO:0800045, OMIM 616744.

Submission:

Centre for Medical Genetics,  Mumbai
Classification: VUS-mid for Autoinflammatory syndrome, familial, Behcet-like 1. Last evaluated: 2026-04-23. Review status: criteria provided, single submitter. Criteria: ACMG Guidelines, 2015. Collection method: provider interpretation. Allele origin: germline. Inheritance: Autosomal dominant inheritance. Affected: yes.
Comment: The variant satisfies PM2 criteria - extremely low frequency in gnomAD population databases. The variant satisfies BP4 criteria - for a missense or a splice region variant, computational prediction tools unanimously support a benign effect on the gene. However, due to lack of sufficient clinical evidence, the variant should be considered as a variant of uncertain significance (mid VUS according to the Bayesian framework)

Literature cited by the submitters: PubMed 26642243.